The following is an entry in ClinVar:

ClinVar aggregate classification (germline): Pathogenic (1 of 4 stars; one submission).

Conditions:
Alstrom syndrome (ALMS). Identifiers: Orphanet 64, MedGen C0268425, MONDO:0008763, OMIM 203800.

Submission:

Labcorp Genetics (formerly Invitae), Labcorp
Classification: Pathogenic for Alstrom syndrome. Last evaluated: 2024-02-01. Review status: criteria provided, single submitter. Criteria: Invitae Variant Classification Sherloc (09022015). Collection method: clinical testing. Allele origin: germline.
Comment: This sequence change creates a premature translational stop signal (p.Asp3771Ilefs*21) in the ALMS1 gene. It is expected to result in an absent or disrupted protein product. Loss-of-function variants in ALMS1 are known to be pathogenic (PMID: 17594715). This variant is not present in population databases (gnomAD no frequency). This variant has not been reported in the literature in individuals affected with ALMS1-related conditions. For these reasons, this variant has been classified as Pathogenic.

Literature cited by the submitters: PubMed 17594715.

NM_001378454.1(ALMS1):c.11307del (p.Asp3770fs)

Gene: ALMS1 (ALMS1 centrosome and basal body associated protein; plus strand). Cytogenetic location: 2p13.1.
Variant type: Deletion.
Coding change: c.11307del on transcript NM_001378454.1 (MANE Select); coding-DNA position 11307, one base deleted (A; older notation c.11307delA).
Protein change: p.Asp3770fs; shifts the reading frame from aspartic acid 3770.
Molecular consequence: frameshift variant.
Genome position (GRCh38, 1-based): chr2:73,573,184, A deleted. VCF-style (leftmost placement, unchanged base first): chr2-73573183-CA-C. GRCh37 (hg19) VCF-style: chr2-73800310-CA-C.
Other names: c.11310del, p.Asp3771fs (NM_015120.4); short protein forms D3770fs, D3771fs.
Identifiers: ClinVar variation 3638024 (VCV003638024.2).
Genomic context (GRCh38, chr2:73,573,183, plus strand): 5'-CTACCACCAACATCCTTTCCGGCACCACTTCTACTGTCGAATCAGATATATTGACCCAAA[CA>C]GATAGAGAGGTGGCTCTGCACGAAAGGAGTAGCTCTGTTTCCACTATTGACACTGCCCGG-3'